The following is an entry in ClinVar:

ClinVar aggregate classification (germline): Uncertain significance (1 of 4 stars; one submission).

Conditions:
DICER1-related tumor predisposition. Also called: DICER1-related pleuropulmonary blastoma cancer predisposition syndrome; DICER1 syndrome. Identifiers: Orphanet 284343, MedGen C3839822, MONDO:0100216.

Submission:

Labcorp Genetics (formerly Invitae), Labcorp
Classification: Uncertain significance for DICER1-related tumor predisposition. Last evaluated: 2022-02-18. Review status: criteria provided, single submitter. Criteria: Invitae Variant Classification Sherloc (09022015). Collection method: clinical testing. Allele origin: germline.
Comment: Algorithms developed to predict the effect of missense changes on protein structure and function (SIFT, PolyPhen-2, Align-GVGD) all suggest that this variant is likely to be tolerated. In summary, the available evidence is currently insufficient to determine the role of this variant in disease. Therefore, it has been classified as a Variant of Uncertain Significance. ClinVar contains an entry for this variant (Variation ID: 412183). This variant has not been reported in the literature in individuals affected with DICER1-related conditions. This variant is not present in population databases (gnomAD no frequency). This sequence change replaces lysine, which is basic and polar, with arginine, which is basic and polar, at codon 228 of the DICER1 protein (p.Lys228Arg).

NM_177438.3(DICER1):c.683A>G (p.Lys228Arg)

Gene: DICER1 (dicer 1, ribonuclease III; minus strand). Cytogenetic location: 14q32.13.
Variant type: single nucleotide variant.
Coding change: c.683A>G on transcript NM_177438.3 (MANE Select); coding-DNA position 683, A replaced by G.
Protein change: p.Lys228Arg; replaces lysine 228 with arginine.
Molecular consequence: missense variant.
Genome position (GRCh38, 1-based): chr14:95,129,523, T>C on the plus strand (A>G on the coding strand, the complement: DICER1 is on the minus strand). VCF-style: chr14-95129523-T-C. GRCh37 (hg19) VCF-style: chr14-95595860-T-C.
Other names: c.683A>G, p.Lys228Arg (NM_001195573.1, NM_001271282.3, NM_001291628.2 and 1 more transcripts); short protein forms K228R.
Identifiers: ClinVar variation 412183 (VCV000412183.8), dbSNP rs1060503659, ClinGen allele CA16614421.
Genomic context (GRCh38, chr14:95,129,523, plus strand): 5'-AGTGCATACCTGTCTAAGACCACCAGGTCAGTTGCAGTTTCAGCATTACTCTTAAGAATT[T>C]TCTCTAGTTTCTGAATCTTTTCTTCCAATTCCTCTGGATCACATTTCCCATTTAAAATGG-3'
Protein context (NP_803187.1, residues 218-238): ELEEKIQKLE[Lys228Arg]ILKSNAETAT